The following is an entry in ClinVar:

NM_020812.4(DOCK6):c.5274C>A (p.Gly1758=)

Gene: DOCK6 (dedicator of cytokinesis 6; minus strand). Cytogenetic location: 19p13.2.
Variant type: single nucleotide variant.
Coding change: c.5274C>A on transcript NM_020812.4 (MANE Select); coding-DNA position 5274, C replaced by A.
Protein change: p.Gly1758=; no amino-acid change (glycine 1758 retained).
Molecular consequence: synonymous variant.
Genome position (GRCh38, 1-based): chr19:11,202,671, G>T on the plus strand (C>A on the coding strand, the complement: DOCK6 is on the minus strand). VCF-style: chr19-11202671-G-T. GRCh37 (hg19) VCF-style: chr19-11313347-G-T.
Other names: c.5379C>A, p.Gly1793= (NM_001367830.1).
Identifiers: ClinVar variation 3037399 (VCV003037399.4), dbSNP rs761783805, ClinGen allele CA9206535.

ClinVar aggregate classification (germline): Likely benign. Review status: criteria provided, single submitter (1 of 4 stars). 2 submissions from 2 submitters: Likely benign (1). 1 of the submissions does not count toward it. Last evaluated 2024-12-07.

Conditions:
DOCK6-related disorder. Also called: DOCK6-related condition.

gnomAD v4.1: 4 of 1,613,870 alleles (0.00025%); highest among the groups gnomAD compares: African/African-American, 0.0053%; no homozygotes.

Submissions (2):

Labcorp Genetics (formerly Invitae), Labcorp
Classification: Likely benign. Last evaluated: 2024-12-07. Review status: criteria provided, single submitter. Criteria: Invitae Variant Classification Sherloc (09022015). Collection method: clinical testing. Allele origin: germline.

PreventionGenetics, part of Exact Sciences
Classification: Likely benign for DOCK6-related condition. Last evaluated: 2019-04-30. Review status: no assertion criteria provided. Collection method: clinical testing. Allele origin: germline. Not counted in ClinVar's aggregate classification.
Comment: This variant is classified as likely benign based on ACMG/AMP sequence variant interpretation guidelines (Richards et al. 2015 PMID: 25741868, with internal and published modifications).